The following is an entry in ClinVar:

ClinVar aggregate classification (germline): Uncertain significance (1 of 4 stars; one submission).

Conditions:
Inborn genetic diseases. Identifiers: MedGen C0950123, MeSH D030342.

gnomAD v4.1: 5 of 1,614,092 alleles (0.00031%); highest among the groups gnomAD compares: Admixed American, 0.0083%; no homozygotes.

Submission:

Ambry Genetics
Classification: Uncertain significance for Inborn genetic diseases. Last evaluated: 2025-12-15. Review status: criteria provided, single submitter. Criteria: Ambry Variant Classification Scheme 2023. Collection method: clinical testing. Allele origin: germline.
Comment: The c.160G>A (p.E54K) alteration is located in exon 1 (coding exon 1) of the TRMT1 gene. This alteration results from a G to A substitution at nucleotide position 160, causing the glutamic acid (E) at amino acid position 54 to be replaced by a lysine (K). Based on data from gnomAD, the A allele has an overall frequency of 0.001% (2/251340) total alleles studied. The highest observed frequency was 0.006% (2/34590) of Latino alleles. Based on insufficient or conflicting evidence, the clinical significance of this alteration remains unclear.

NM_001136035.4(TRMT1):c.160G>A (p.Glu54Lys)

Gene: TRMT1 (tRNA methyltransferase 1; minus strand). Cytogenetic location: 19p13.13.
Variant type: single nucleotide variant.
Coding change: c.160G>A on transcript NM_001136035.4 (MANE Select); coding-DNA position 160, G replaced by A.
Protein change: p.Glu54Lys; replaces glutamic acid 54 with lysine.
Molecular consequence: missense variant. On other transcripts: 5 prime UTR variant (1).
Genome position (GRCh38, 1-based): chr19:13,116,240, C>T on the plus strand (G>A on the coding strand, the complement: TRMT1 is on the minus strand). VCF-style: chr19-13116240-C-T. GRCh37 (hg19) VCF-style: chr19-13227054-C-T.
Other names: c.160G>A, p.Glu54Lys (NM_001142554.3, NM_001351760.2, NM_017722.5); c.52G>A, p.Glu18Lys (NM_001351761.2); c.-704G>A (NM_001351762.2); short protein forms E54K, E18K.
Identifiers: ClinVar variation 4835690 (VCV004835690.1).